The following is an entry in ClinVar:

ClinVar aggregate classification (germline): Uncertain significance (1 of 4 stars; one submission).

Submission:

Labcorp Genetics (formerly Invitae), Labcorp
Classification: Uncertain significance. Last evaluated: 2024-04-19. Review status: criteria provided, single submitter. Criteria: Invitae Variant Classification Sherloc (09022015). Collection method: clinical testing. Allele origin: germline.
Comment: This sequence change replaces cysteine, which is neutral and slightly polar, with arginine, which is basic and polar, at codon 532 of the MYLK3 protein (p.Cys532Arg). This variant is not present in population databases (gnomAD no frequency). This variant has not been reported in the literature in individuals affected with MYLK3-related conditions. An algorithm developed to predict the effect of missense changes on protein structure and function (PolyPhen-2) suggests that this variant is likely to be disruptive. In summary, the available evidence is currently insufficient to determine the role of this variant in disease. Therefore, it has been classified as a Variant of Uncertain Significance.

NM_182493.3(MYLK3):c.1594T>C (p.Cys532Arg)

Gene: MYLK3 (myosin light chain kinase 3; minus strand). Cytogenetic location: 16q11.2.
Variant type: single nucleotide variant.
Coding change: c.1594T>C on transcript NM_182493.3 (MANE Select); coding-DNA position 1594, T replaced by C.
Protein change: p.Cys532Arg; replaces cysteine 532 with arginine.
Molecular consequence: missense variant.
Genome position (GRCh38, 1-based): chr16:46,729,662, A>G on the plus strand (T>C on the coding strand, the complement: MYLK3 is on the minus strand). VCF-style: chr16-46729662-A-G. GRCh37 (hg19) VCF-style: chr16-46763574-A-G.
Other names: c.571T>C, p.Cys191Arg (NM_001308301.1); short protein forms C191R, C532R.
Identifiers: ClinVar variation 3649302 (VCV003649302.2).